The following is an entry in ClinVar:

ClinVar aggregate classification (germline): Likely pathogenic (1 of 4 stars; one submission).

Submission:

Quest Diagnostics Nichols Institute San Juan Capistrano
Classification: Likely pathogenic. Last evaluated: 2023-04-03. Review status: criteria provided, single submitter. Criteria: ACMG/ClinGen CNV Guidelines, 2019. Collection method: clinical testing. Allele origin: unknown.
Comment: This loss involves multiple protein-coding genes. Hemizygous deletions of a critical region largely overlapped by the current interval have been reported in association with a range of seizure phenotypes (Mucha 2019, Tinker 2020). Copy number losses involving this interval have a proposed but not established association with a clinical phenotype, and there are no similar copy number losses of this region in the general populations of the Database of Genomic Variants. Therefore, based on current medical literature, this copy number variant (CNV) is classified as likely pathogenic. References: Campeau et al., Lancet Neurol. 2014 Jan;13(1):44-58. PMID: 24291220 Mucha et al., Genet Med. 2019 May;21(5):1058-1064. PMID: 30245510 Tinker et al., Am J Med Genet A. 2020 Oct 8. PMID: 33090716

GRCh37/hg19 16p13.3(chr16:2480793-2590012)x1

Genes: AMDHD2 (amidohydrolase domain containing 2; plus strand), ATP6V0C (ATPase H+ transporting V0 subunit c; plus strand), CCNF (cyclin F; plus strand), CEMP1 (cementum protein 1; minus strand), NTN3 (netrin 3; plus strand) and 3 more. Cytogenetic location: 16p13.3.
Variant type: copy number loss.
Change: copy number 1 (one copy instead of two) of chr16:2,480,793-2,590,012 (109.2 kb, GRCh37 coordinates, 1-based), cytogenetic band 16p13.3.
Identifiers: ClinVar variation 2685540 (VCV002685540.1).